The following is an entry in ClinVar:

ClinVar aggregate classification (germline): Uncertain significance (1 of 4 stars; one submission).

Submission:

GeneDx
Classification: Uncertain significance. Last evaluated: 2022-02-26. Review status: criteria provided, single submitter. Criteria: GeneDx Variant Classification Process June 2021. Collection method: clinical testing. Allele origin: germline. Affected: yes.
Comment: Not observed at significant frequency in large population cohorts (gnomAD); In silico analysis supports that this missense variant has a deleterious effect on protein structure/function; Has not been previously published as pathogenic or benign to our knowledge

NM_000875.5(IGF1R):c.436A>G (p.Asn146Asp)

Gene: IGF1R (insulin like growth factor 1 receptor; plus strand). Cytogenetic location: 15q26.3.
Variant type: single nucleotide variant.
Coding change: c.436A>G on transcript NM_000875.5 (MANE Select); coding-DNA position 436, A replaced by G.
Protein change: p.Asn146Asp; replaces asparagine 146 with aspartic acid.
Molecular consequence: missense variant.
Genome position (GRCh38, 1-based): chr15:98,707,903, A>G. VCF-style: chr15-98707903-A-G. GRCh37 (hg19) VCF-style: chr15-99251132-A-G.
Other names: c.436A>G, p.Asn146Asp (NM_001291858.2); short protein forms N146D.
Identifiers: ClinVar variation 1344975 (VCV001344975.2), dbSNP rs2141259608, ClinGen allele CA393697270.